The following is an entry in ClinVar:

NM_000179.3(MSH6):c.3844_3873dup (p.Thr1282_Lys1291dup)

Gene: MSH6 (mutS homolog 6; plus strand). Cytogenetic location: 2p16.3.
Variant type: Duplication.
Coding change: c.3844_3873dup on transcript NM_000179.3 (MANE Select); coding-DNA positions 3844 to 3873, 30 bases duplicated (ACTATTACGTTCCTCTATAAATTCATTAAG).
Protein change: p.Thr1282_Lys1291dup.
Molecular consequence: inframe insertion.
Genome position (GRCh38, 1-based): chr2:47,806,494-47,806,523, ACTATTACGTTCCTCTATAAATTCATTAAG duplicated; duplicating any 30 consecutive bases within chr2:47,806,492-47,806,523 gives the same sequence; the c. name uses the placement nearest the transcript's 3' end. VCF-style (leftmost placement, unchanged base first): chr2-47806491-G-GAGACTATTACGTTCCTCTATAAATTCATTA. GRCh37 (hg19) VCF-style: chr2-48033630-G-GAGACTATTACGTTCCTCTATAAATTCATTA.
Other names: c.3454_3483dup, p.Thr1152_Lys1161dup (NM_001281492.2); c.2938_2967dup, p.Thr980_Lys989dup (NM_001281493.2, NM_001281494.2); c.3844_3873dupACTATTACGTTCCTCTATAAATTCATTAAG (NM_000179.2).
Identifiers: ClinVar variation 1441187 (VCV001441187.7), dbSNP rs1328755147, ClinGen allele CA532705513.
Genomic context (GRCh38, chr2:47,806,491, plus strand): 5'-CTAATATTTTTCTTTCTTAAGGCATGCATGGTAGAAAATGAATGTGAAGACCCCAGCCAG[G>GAGACTATTACGTTCCTCTATAAATTCATTA]AGACTATTACGTTCCTCTATAAATTCATTAAGGGAGCTTGTCCTAAAAGCTATGGCTTTA-3'

ClinVar aggregate classification (germline): Uncertain significance. Review status: criteria provided, multiple submitters, no conflicts (2 of 4 stars). 2 submissions from 2 submitters: Uncertain significance (2). Last evaluated 2025-02-13.

Conditions:
Hereditary cancer-predisposing syndrome. Also called: Tumor predisposition; Hereditary Cancer Syndrome; Hereditary neoplastic syndrome; Neoplastic Syndromes, Hereditary. Identifiers: Orphanet 140162, MedGen C0027672, MeSH D009386, MONDO:0015356.
Hereditary nonpolyposis colorectal neoplasms. Identifiers: MedGen C0009405, MeSH D003123.

Submissions (2):

Ambry Genetics
Classification: Uncertain significance for Hereditary cancer-predisposing syndrome. Last evaluated: 2025-02-13. Review status: criteria provided, single submitter. Criteria: Ambry Variant Classification Scheme 2023. Collection method: clinical testing. Allele origin: germline.
Comment: The c.3844_3873dup30 variant (also known as p.T1282_K1291dup), located in coding exon 9 of the MSH6 gene, results from an in-frame duplication of 30 nucleotides at nucleotide positions 3844 to 3873. This results in the duplication of 10 extra residues (TITFLYKFIK) between codons 1282 and 1291. These amino acid positions are well conserved in available vertebrate species. In addition, this alteration is predicted to be deleterious by in silico analysis (Choi Y et al. PLoS ONE. 2012; 7(10):e46688). Since supporting evidence is limited at this time, the clinical significance of this alteration remains unclear.

Labcorp Genetics (formerly Invitae), Labcorp
Classification: Uncertain significance for Hereditary nonpolyposis colorectal neoplasms. Last evaluated: 2024-01-25. Review status: criteria provided, single submitter. Criteria: Invitae Variant Classification Sherloc (09022015). Collection method: clinical testing. Allele origin: germline.
Comment: This variant, c.3844_3873dup, results in the insertion of 10 amino acid(s) of the MSH6 protein (p.Thr1282_Lys1291dup), but otherwise preserves the integrity of the reading frame. RNA analysis indicates that this variant induces altered splicing and likely disrupts the C-terminus of the protein. This variant is present in population databases (no rsID available, gnomAD 0.01%). This variant has not been reported in the literature in individuals affected with MSH6-related conditions. ClinVar contains an entry for this variant (Variation ID: 1441187). Studies have shown that this variant results in skipping of exon 9 and introduces a new termination codon (Invitae). However the mRNA is not expected to undergo nonsense-mediated decay. In summary, the available evidence is currently insufficient to determine the role of this variant in disease. Therefore, it has been classified as a Variant of Uncertain Significance.